The following is an entry in ClinVar:

NM_001004334.4(GPR179):c.6953T>C (p.Leu2318Pro)

Gene: GPR179 (G protein-coupled receptor 179; minus strand). Cytogenetic location: 17q12.
Variant type: single nucleotide variant.
Coding change: c.6953T>C on transcript NM_001004334.4 (MANE Select); coding-DNA position 6953, T replaced by C.
Protein change: p.Leu2318Pro; replaces leucine 2318 with proline.
Molecular consequence: missense variant.
Genome position (GRCh38, 1-based): chr17:38,326,616, A>G on the plus strand (T>C on the coding strand, the complement: GPR179 is on the minus strand). VCF-style: chr17-38326616-A-G. GRCh37 (hg19) VCF-style: chr17-36482499-A-G.
Other names: short protein forms L2318P.
Identifiers: ClinVar variation 1348171 (VCV001348171.6), dbSNP rs765067426, ClinGen allele CA290102727.

ClinVar aggregate classification (germline): Uncertain significance (1 of 4 stars; one submission).

Allele frequency attached by ClinVar (database versions not stated): gnomAD exomes below 0.00001 and 0.00001; ExAC 0.00001; gnomAD 0.00001; TOPMed 0.00001.
gnomAD v4.1: 17 of 1,614,134 alleles (0.0011%); highest among the groups gnomAD compares: Non-Finnish European, 0.0014%; no homozygotes.

Submission:

Labcorp Genetics (formerly Invitae), Labcorp
Classification: Uncertain significance. Last evaluated: 2024-02-05. Review status: criteria provided, single submitter. Criteria: Invitae Variant Classification Sherloc (09022015). Collection method: clinical testing. Allele origin: germline.
Comment: This sequence change replaces leucine, which is neutral and non-polar, with proline, which is neutral and non-polar, at codon 2318 of the GPR179 protein (p.Leu2318Pro). This variant is present in population databases (rs765067426, gnomAD 0.0009%). This variant has not been reported in the literature in individuals affected with GPR179-related conditions. ClinVar contains an entry for this variant (Variation ID: 1348171). Algorithms developed to predict the effect of missense changes on protein structure and function output the following: SIFT: "Not Available"; PolyPhen-2: "Benign"; Align-GVGD: "Not Available". The proline amino acid residue is found in multiple mammalian species, which suggests that this missense change does not adversely affect protein function. In summary, the available evidence is currently insufficient to determine the role of this variant in disease. Therefore, it has been classified as a Variant of Uncertain Significance.